The following is an entry in ClinVar:

NM_001572.5(IRF7):c.1364C>T (p.Pro455Leu)

Gene: IRF7 (interferon regulatory factor 7; minus strand). Cytogenetic location: 11p15.5.
Variant type: single nucleotide variant.
Coding change: c.1364C>T on transcript NM_001572.5 (MANE Select); coding-DNA position 1364, C replaced by T.
Protein change: p.Pro455Leu; replaces proline 455 with leucine.
Molecular consequence: missense variant.
Genome position (GRCh38, 1-based): chr11:612,793, G>A on the plus strand (C>T on the coding strand, the complement: IRF7 is on the minus strand). VCF-style: chr11-612793-G-A. GRCh37 (hg19) VCF-style: chr11-612793-G-A.
Other names: c.1277C>T, p.Pro426Leu (NM_004029.4); c.1403C>T, p.Pro468Leu (NM_004031.4); short protein forms P455L, P426L, P468L.
Identifiers: ClinVar variation 1514932 (VCV001514932.8), dbSNP rs370946255, ClinGen allele CA5783461.

ClinVar aggregate classification (germline): Uncertain significance (1 of 4 stars; one submission).

Conditions:
Immunodeficiency 39 (IMD39). Identifiers: Orphanet 574918, MedGen C4225358, MONDO:0014597, OMIM 616345.

Allele frequency attached by ClinVar (database versions not stated): gnomAD exomes below 0.00001; TOPMed below 0.00001; gnomAD 0.00001; ExAC 0.00002; ESP Exome Variant Server 0.00008.
gnomAD v4.1: 3 of 1,609,420 alleles (0.00019%); highest among the groups gnomAD compares: African/African-American, 0.0013%; no homozygotes.

Submission:

Labcorp Genetics (formerly Invitae), Labcorp
Classification: Uncertain significance for Immunodeficiency 39. Last evaluated: 2022-12-06. Review status: criteria provided, single submitter. Criteria: Invitae Variant Classification Sherloc (09022015). Collection method: clinical testing. Allele origin: germline.
Comment: In summary, the available evidence is currently insufficient to determine the role of this variant in disease. Therefore, it has been classified as a Variant of Uncertain Significance. Advanced modeling of protein sequence and biophysical properties (such as structural, functional, and spatial information, amino acid conservation, physicochemical variation, residue mobility, and thermodynamic stability) performed at Invitae indicates that this missense variant is not expected to disrupt IRF7 protein function. ClinVar contains an entry for this variant (Variation ID: 1514932). This variant has not been reported in the literature in individuals affected with IRF7-related conditions. This variant is present in population databases (rs370946255, gnomAD 0.007%). This sequence change replaces proline, which is neutral and non-polar, with leucine, which is neutral and non-polar, at codon 468 of the IRF7 protein (p.Pro468Leu).